The following is an entry in ClinVar:

ClinVar aggregate classification (germline): Uncertain significance (1 of 4 stars; one submission).

Conditions:
FAT4-related disorder. Also called: FAT4-related condition.

Allele frequency attached by ClinVar (database versions not stated): gnomAD 0.00001; TOPMed 0.00003.
gnomAD v4.1: 14 of 1,608,510 alleles (0.00087%); highest among the groups gnomAD compares: East Asian, 0.013%; no homozygotes.

Submission:

PreventionGenetics, part of Exact Sciences
Classification: Uncertain significance for FAT4-related condition. Last evaluated: 2023-02-11. Review status: criteria provided, single submitter. Criteria: ACMG Guidelines, 2015. Collection method: clinical testing. Allele origin: germline.
Comment: The FAT4 c.7816G>A variant is predicted to result in the amino acid substitution p.Ala2606Thr. To our knowledge, this variant has not been reported in the literature. This variant is reported in 0.012% of alleles in individuals of African descent in gnomAD. At this time, the clinical significance of this variant is uncertain due to the absence of conclusive functional and genetic evidence.

NM_001291303.3(FAT4):c.7816G>A (p.Ala2606Thr)

Gene: FAT4 (FAT atypical cadherin 4; plus strand). Cytogenetic location: 4q28.1.
Variant type: single nucleotide variant.
Coding change: c.7816G>A on transcript NM_001291303.3 (MANE Select); coding-DNA position 7816, G replaced by A.
Protein change: p.Ala2606Thr; replaces alanine 2606 with threonine.
Molecular consequence: missense variant.
Genome position (GRCh38, 1-based): chr4:125,448,826, G>A. VCF-style: chr4-125448826-G-A. GRCh37 (hg19) VCF-style: chr4-126369981-G-A.
Other names: c.7816G>A, p.Ala2606Thr (NM_001291285.3); c.7810G>A, p.Ala2604Thr (NM_024582.6); short protein forms A2604T, A2606T.
Identifiers: ClinVar variation 2629144 (VCV002629144.1), dbSNP rs747229172, ClinGen allele CA3073264.